The following is an entry in ClinVar:

NM_015466.4(PTPN23):c.4489T>C (p.Ser1497Pro)

Gene: PTPN23 (protein tyrosine phosphatase non-receptor type 23; plus strand). Cytogenetic location: 3p21.31.
Variant type: single nucleotide variant.
Coding change: c.4489T>C on transcript NM_015466.4 (MANE Select); coding-DNA position 4489, T replaced by C.
Protein change: p.Ser1497Pro; replaces serine 1497 with proline.
Molecular consequence: missense variant.
Genome position (GRCh38, 1-based): chr3:47,412,763, T>C. VCF-style: chr3-47412763-T-C. GRCh37 (hg19) VCF-style: chr3-47454253-T-C.
Other names: c.4111T>C, p.Ser1371Pro (NM_001304482.2); c.4489T>C (NM_015466.2); short protein forms S1371P, S1497P.
Identifiers: ClinVar variation 1401714 (VCV001401714.9), dbSNP rs1705352930, ClinGen allele CA352567843.

ClinVar aggregate classification (germline): Uncertain significance. Review status: criteria provided, multiple submitters, no conflicts (2 of 4 stars). 2 submissions from 2 submitters: Uncertain significance (2). Last evaluated 2024-07-09.

Conditions:
Inborn genetic diseases. Identifiers: MedGen C0950123, MeSH D030342.

Allele frequency attached by ClinVar (database versions not stated): TOPMed below 0.00001; gnomAD 0.00001.
gnomAD v4.1: 1 of 1,611,600 alleles (0.000062%); highest among the groups gnomAD compares: African/African-American, 0.0013%; no homozygotes.

Submissions (2):

Ambry Genetics
Classification: Uncertain significance for Inborn genetic diseases. Last evaluated: 2024-07-09. Review status: criteria provided, single submitter. Criteria: Ambry Variant Classification Scheme 2023. Collection method: clinical testing. Allele origin: germline.

Labcorp Genetics (formerly Invitae), Labcorp
Classification: Uncertain significance. Last evaluated: 2024-06-24. Review status: criteria provided, single submitter. Criteria: Invitae Variant Classification Sherloc (09022015). Collection method: clinical testing. Allele origin: germline.
Comment: This sequence change replaces serine, which is neutral and polar, with proline, which is neutral and non-polar, at codon 1497 of the PTPN23 protein (p.Ser1497Pro). This variant is not present in population databases (gnomAD no frequency). This variant has not been reported in the literature in individuals affected with PTPN23-related conditions. ClinVar contains an entry for this variant (Variation ID: 1401714). An algorithm developed to predict the effect of missense changes on protein structure and function (PolyPhen-2) suggests that this variant is likely to be disruptive. In summary, the available evidence is currently insufficient to determine the role of this variant in disease. Therefore, it has been classified as a Variant of Uncertain Significance.